The following is an entry in ClinVar:

ClinVar aggregate classification (germline): Uncertain significance (1 of 4 stars; one submission).

Allele frequency attached by ClinVar (database versions not stated): gnomAD exomes below 0.00001; TOPMed below 0.00001; gnomAD 0.00001.
gnomAD v4.1: 2 of 1,613,424 alleles (0.00012%); highest among the groups gnomAD compares: Non-Finnish European, 0.00017%; no homozygotes.

Submission:

Labcorp Genetics (formerly Invitae), Labcorp
Classification: Uncertain significance. Last evaluated: 2022-06-28. Review status: criteria provided, single submitter. Criteria: Invitae Variant Classification Sherloc (09022015). Collection method: clinical testing. Allele origin: germline.
Comment: In summary, the available evidence is currently insufficient to determine the role of this variant in disease. Therefore, it has been classified as a Variant of Uncertain Significance. Algorithms developed to predict the effect of missense changes on protein structure and function (SIFT, PolyPhen-2, Align-GVGD) all suggest that this variant is likely to be disruptive. This variant has not been reported in the literature in individuals affected with RHOBTB2-related conditions. This variant is present in population databases (no rsID available, gnomAD 0.0009%). This sequence change replaces phenylalanine, which is neutral and non-polar, with cysteine, which is neutral and slightly polar, at codon 367 of the RHOBTB2 protein (p.Phe367Cys).

NM_015178.3(RHOBTB2):c.1034T>G (p.Phe345Cys)

Gene: RHOBTB2 (Rho related BTB domain containing 2; plus strand). Cytogenetic location: 8p21.3.
Variant type: single nucleotide variant.
Coding change: c.1034T>G on transcript NM_015178.3 (MANE Select); coding-DNA position 1034, T replaced by G.
Protein change: p.Phe345Cys; replaces phenylalanine 345 with cysteine.
Molecular consequence: missense variant.
Genome position (GRCh38, 1-based): chr8:23,007,279, T>G. VCF-style: chr8-23007279-T-G. GRCh37 (hg19) VCF-style: chr8-22864792-T-G.
Other names: c.1100T>G, p.Phe367Cys (NM_001160036.2); c.1055T>G, p.Phe352Cys (NM_001160037.2); c.1034T>G, p.Phe345Cys (NM_001374791.1); short protein forms F367C, F345C, F352C.
Identifiers: ClinVar variation 2011934 (VCV002011934.4), dbSNP rs1417655475, ClinGen allele CA370567209.